The following is an entry in ClinVar:

ClinVar aggregate classification (germline): Benign/Likely benign. Review status: criteria provided, multiple submitters, no conflicts (2 of 4 stars). 9 submissions from 9 submitters: Benign (6); Likely benign (1). 2 of the submissions do not count toward it. Last evaluated 2026-01-21.

Conditions:
Bethlem myopathy 1A. Also called: MYOPATHY, BENIGN CONGENITAL, WITH CONTRACTURES; Bethlem myopathy 1; Bethlem Muscular Dystrophy. Identifiers: Orphanet 610, MedGen CN029274, MONDO:0024530, OMIM 158810.
Ullrich congenital muscular dystrophy 1A. Also called: Intermediate COL6-RD; Ullrich congenital muscular dystrophy 1. Identifiers: Orphanet 75840, MedGen C0410179, MONDO:0009681, OMIM 254090.
Dystonia 27 (DYT27). Identifiers: Orphanet 464440, MedGen C4225336, MONDO:0014627, OMIM 616411.
Collagen 6-related myopathy. Identifiers: MedGen CN117976, MONDO:0100225.

Allele frequency attached by ClinVar (database versions not stated): gnomAD exomes 0.01010; ExAC 0.01056; ESP Exome Variant Server 0.00100; 1000 Genomes Project 30x 0.01655; TOPMed 0.00272; gnomAD 0.00438 and 0.00572; 1000 Genomes Project 0.01697.
gnomAD v4.1: 8,162 of 1,614,030 alleles (0.51%); highest among the groups gnomAD compares: East Asian, 3.7%; 144 homozygotes.

Submissions (13):

Labcorp Genetics (formerly Invitae), Labcorp
Classification: Benign for Bethlem myopathy 1A. Last evaluated: 2026-01-21. Review status: criteria provided, single submitter. Criteria: Invitae Variant Classification Sherloc (09022015). Collection method: clinical testing. Allele origin: germline.

Fulgent Genetics
Classification: Likely benign for Bethlem myopathy 1A; Ullrich congenital muscular dystrophy 1A; Dystonia 27. Last evaluated: 2021-09-21. Review status: criteria provided, single submitter. Criteria: ACMG Guidelines, 2015. Collection method: clinical testing. Allele origin: unknown.

Mayo Clinic Laboratories, Mayo Clinic
Classification: Benign. Last evaluated: 2021-03-10. Review status: criteria provided, single submitter. Criteria: ACMG Guidelines, 2015. Collection method: clinical testing. Allele origin: germline. Observed: 3 variant alleles.

Illumina Laboratory Services, Illumina
Classification: Benign for Collagen VI-related myopathy. Last evaluated: 2018-03-06. Review status: criteria provided, single submitter. Criteria: ICSL Variant Classification Criteria 13 December 2019. Collection method: clinical testing. Allele origin: germline.
Comment: This variant was observed in the ICSL laboratory as part of a predisposition screen in an ostensibly healthy population. It had not been previously curated by ICSL or reported in the Human Gene Mutation Database (HGMD: prior to June 1st, 2018), and was therefore a candidate for classification through an automated scoring system. Utilizing variant allele frequency, disease prevalence and penetrance estimates, and inheritance mode, an automated score was calculated to assess if this variant is too frequent to cause the disease. Based on the score and internal cut-off values, a variant classified as benign is not then subjected to further curation. The score for this variant resulted in a classification of benign for this disease.

GeneDx
Classification: Benign. Last evaluated: 2016-08-08. Review status: criteria provided, single submitter. Criteria: GeneDx Variant Classification (06012015). Collection method: clinical testing. Allele origin: germline. Affected: yes.
Comment: This variant is considered likely benign or benign based on one or more of the following criteria: it is a conservative change, it occurs at a poorly conserved position in the protein, it is predicted to be benign by multiple in silico algorithms, and/or has population frequency not consistent with disease.

Eurofins Ntd Llc (ga)
Classification: Benign. Last evaluated: 2012-11-05. Review status: criteria provided, single submitter. Criteria: EGL Classification Definitions 2015. Collection method: clinical testing. Allele origin: germline. Observed: 3 variant alleles, 3 heterozygotes.

Breakthrough Genomics
Classification: Benign. Review status: criteria provided, single submitter. Criteria: ACMG Guidelines, 2015. Collection method: not provided. Allele origin: germline. Inheritance: Autosomal recessive inheritance. Affected: yes.

Clinical Genetics, Academic Medical Center
Classification: Benign. Review status: no assertion criteria provided. Collection method: clinical testing. Allele origin: germline. Affected: yes. Study: VKGL Data-share Consensus. Not counted in ClinVar's aggregate classification.

Dr. Peter K. Rogan Lab, Western University
No classification provided (evidence only). Condition: Cervical cancer. Review status: no classification provided. Collection method: in vitro. Allele origin: not applicable. Functional consequence: retained intron. Not counted in ClinVar's aggregate classification.

Dr. Peter K. Rogan Lab, Western University
No classification provided (evidence only). Condition: Gastric cancer. Review status: no classification provided. Collection method: in vitro. Allele origin: not applicable. Functional consequence: retained intron. Not counted in ClinVar's aggregate classification.

Dr. Peter K. Rogan Lab, Western University
No classification provided (evidence only). Condition: Gastric cancer. Review status: no classification provided. Collection method: in vitro. Allele origin: not applicable. Functional consequence: retained intron. Not counted in ClinVar's aggregate classification.

Dr. Peter K. Rogan Lab, Western University
No classification provided (evidence only). Condition: Malignant tumor of esophagus. Review status: no classification provided. Collection method: in vitro. Allele origin: not applicable. Functional consequence: retained intron. Not counted in ClinVar's aggregate classification.

Laboratory of Diagnostic Genome Analysis, Leiden University Medical Center (LUMC)
Classification: Likely benign. Review status: no assertion criteria provided. Collection method: clinical testing. Allele origin: germline. Affected: yes. Study: VKGL Data-share Consensus. Not counted in ClinVar's aggregate classification.

NM_004369.4(COL6A3):c.4895G>A (p.Arg1632Gln)

Gene: COL6A3 (collagen type VI alpha 3 chain; minus strand). Cytogenetic location: 2q37.3.
Variant type: single nucleotide variant.
Coding change: c.4895G>A on transcript NM_004369.4 (MANE Select); coding-DNA position 4895, G replaced by A.
Protein change: p.Arg1632Gln; replaces arginine 1632 with glutamine.
Molecular consequence: missense variant.
Genome position (GRCh38, 1-based): chr2:237,368,568, C>T on the plus strand (G>A on the coding strand, the complement: COL6A3 is on the minus strand). VCF-style: chr2-237368568-C-T. GRCh37 (hg19) VCF-style: chr2-238277211-C-T.
Other names: c.3074G>A, p.Arg1025Gln (NM_057166.5); c.4277G>A, p.Arg1426Gln (NM_057167.4); short protein forms R1426Q, R1025Q.
Identifiers: ClinVar variation 94941 (VCV000094941.23), dbSNP rs111231885, ClinGen allele CA147977.